The following is an entry in ClinVar:

ClinVar aggregate classification (germline): Likely benign (0 of 4 stars; one submission).

Conditions:
CDC14A-related disorder. Also called: CDC14A-related condition.

gnomAD v4.1: 21 of 1,613,942 alleles (0.0013%); highest among the groups gnomAD compares: East Asian, 0.022%; no homozygotes.

Submission:

PreventionGenetics, part of Exact Sciences
Classification: Likely benign for CDC14A-related condition. Last evaluated: 2024-07-06. Review status: no assertion criteria provided. Collection method: clinical testing. Allele origin: germline.
Comment: This variant is classified as likely benign based on ACMG/AMP sequence variant interpretation guidelines (Richards et al. 2015 PMID: 25741868, with internal and published modifications).

NM_003672.4(CDC14A):c.777C>T (p.Ile259=)

Gene: CDC14A (cell division cycle 14A; plus strand). Cytogenetic location: 1p21.2.
Variant type: single nucleotide variant.
Coding change: c.777C>T on transcript NM_003672.4 (MANE Select); coding-DNA position 777, C replaced by T.
Protein change: p.Ile259=; no amino-acid change (isoleucine 259 retained).
Molecular consequence: synonymous variant. On other transcripts: 5 prime UTR variant (1).
Genome position (GRCh38, 1-based): chr1:100,462,820, C>T. VCF-style: chr1-100462820-C-T. GRCh37 (hg19) VCF-style: chr1-100928376-C-T.
Other names: c.777C>T, p.Ile259= (NM_001319210.2, NM_033312.3, NM_033313.3); c.603C>T, p.Ile201= (NM_001319211.2); c.-103C>T (NM_001319212.2).
Identifiers: ClinVar variation 3353179 (VCV003353179.1).
Genomic context (GRCh38, chr1:100,462,820, plus strand): 5'-CGCTGGCTTCGAGCACTATGACCTCTTCTTCATAGATGGCAGCACACCCAGTGACAACAT[C>T]GTGCGAAGGTTCCTGAACATCTGTGAGAACACCGAAGGGGCCATCGCCGTTCACTGCAAA-3'
Protein context (NP_003663.2, residues 249-269): FIDGSTPSDN[Ile259=]VRRFLNICEN